The following is an entry in ClinVar:

NM_000666.3(ACY1):c.805A>G (p.Met269Val)

Genes: ABHD14A-ACY1 (ABHD14A-ACY1 readthrough; plus strand), ACY1 (aminoacylase 1; plus strand). Cytogenetic location: 3p21.2.
Variant type: single nucleotide variant.
Coding change: c.805A>G on transcript NM_000666.3 (MANE Select); coding-DNA position 805, A replaced by G.
Protein change: p.Met269Val; replaces methionine 269 with valine.
Molecular consequence: missense variant. On other transcripts: intron variant (1).
Genome position (GRCh38, 1-based): chr3:51,987,406, A>G. VCF-style: chr3-51987406-A-G. GRCh37 (hg19) VCF-style: chr3-52021422-A-G.
Other names: p.Met269Val; c.1075A>G, p.Met359Val (NM_001316331.2); c.805A>G, p.Met269Val (NM_001198895.2); c.589A>G, p.Met197Val (NM_001198896.2); c.700A>G, p.Met234Val (NM_001198898.2); c.658-150A>G (NM_001198897.2); short protein forms M269V, M359V, M197V, M234V.
Identifiers: ClinVar variation 730858 (VCV000730858.12), dbSNP rs201775925, ClinGen allele CA2428639.

ClinVar aggregate classification (germline): Conflicting classifications of pathogenicity. Review status: criteria provided, conflicting classifications (1 of 4 stars). 5 submissions from 5 submitters: Uncertain significance (1); Likely benign (4). Last evaluated 2026-08-01.

Conditions:
Inborn genetic diseases. Identifiers: MedGen C0950123, MeSH D030342.

Allele frequency attached by ClinVar (database versions not stated): ESP Exome Variant Server 0.00008; gnomAD 0.00015 and 0.00016; gnomAD exomes 0.00015 and 0.00034; ExAC 0.00022; TOPMed 0.00023.
gnomAD v4.1: 258 of 1,614,070 alleles (0.016%); highest among the groups gnomAD compares: Admixed American, 0.093%; 2 homozygotes.

Submissions (5):

CeGaT Center for Human Genetics Tuebingen
Classification: Likely benign. Last evaluated: 2026-08-01. Review status: criteria provided, single submitter. Criteria: CeGaT Center For Human Genetics Tuebingen Variant Classification Criteria Version 2. Collection method: clinical testing. Allele origin: germline. Affected: yes. Observed: 1 variant allele.
Comment: ACY1: BP4; ABHD14A-ACY1: BP4

Labcorp Genetics (formerly Invitae), Labcorp
Classification: Likely benign. Last evaluated: 2026-01-23. Review status: criteria provided, single submitter. Criteria: Invitae Variant Classification Sherloc (09022015). Collection method: clinical testing. Allele origin: germline.

Blueprint Genetics
Classification: Likely benign. Last evaluated: 2024-08-14. Review status: criteria provided, single submitter. Criteria: ACMG Guidelines, 2015. Collection method: clinical testing. Allele origin: germline.

Mayo Clinic Laboratories, Mayo Clinic
Classification: Uncertain significance. Last evaluated: 2022-05-17. Review status: criteria provided, single submitter. Criteria: ACMG Guidelines, 2015. Collection method: clinical testing. Allele origin: germline. Observed: 1 variant allele.
Comment: BP4

Ambry Genetics
Classification: Likely benign for Inborn genetic diseases. Last evaluated: 2021-04-29. Review status: criteria provided, single submitter. Criteria: Ambry Variant Classification Scheme 2023. Collection method: clinical testing. Allele origin: germline.